The following is an entry in ClinVar:

NM_021072.4(HCN1):c.843G>C (p.Trp281Cys)

Gene: HCN1 (hyperpolarization activated cyclic nucleotide gated potassium channel 1; minus strand). Cytogenetic location: 5p12.
Variant type: single nucleotide variant.
Coding change: c.843G>C on transcript NM_021072.4 (MANE Select); coding-DNA position 843, G replaced by C.
Protein change: p.Trp281Cys; replaces tryptophan 281 with cysteine.
Molecular consequence: missense variant.
Genome position (GRCh38, 1-based): chr5:45,645,191, C>G on the plus strand (G>C on the coding strand, the complement: HCN1 is on the minus strand). VCF-style: chr5-45645191-C-G. GRCh37 (hg19) VCF-style: chr5-45645293-C-G.
Other names: short protein forms W281C.
Identifiers: ClinVar variation 3647801 (VCV003647801.2).
Genomic context (GRCh38, chr5:45,645,191, plus strand): 5'-CCATAATTAACAATTTCATGATATAGATTTAAAAAAGAAAAAGATGCATCTTACCTCTTC[C>G]CATTGATGTATGTATCTAATTAACCTTGAAAGTCGTAATAAACGCAAGAGACTGAGAATT-3'
Protein context (NP_066550.2, residues 271-291): LSRLIRYIHQ[Trp281Cys]EEIFHMTYDL

ClinVar aggregate classification (germline): Uncertain significance (1 of 4 stars; one submission).

Conditions:
Early-infantile DEE. Also called: Early infantile epileptic encephalopathy; Ohtahara syndrome; Early infantile epileptic encephalopathy with suppression bursts. Identifiers: Orphanet 1934, MedGen C0393706, MONDO:0800491.

Submission:

Labcorp Genetics (formerly Invitae), Labcorp
Classification: Uncertain significance for Early-infantile DEE. Last evaluated: 2024-03-27. Review status: criteria provided, single submitter. Criteria: Invitae Variant Classification Sherloc (09022015). Collection method: clinical testing. Allele origin: germline.
Comment: This sequence change replaces tryptophan, which is neutral and slightly polar, with cysteine, which is neutral and slightly polar, at codon 281 of the HCN1 protein (p.Trp281Cys). This variant is not present in population databases (gnomAD no frequency). This variant has not been reported in the literature in individuals affected with HCN1-related conditions. Advanced modeling of protein sequence and biophysical properties (such as structural, functional, and spatial information, amino acid conservation, physicochemical variation, residue mobility, and thermodynamic stability) performed at Invitae indicates that this missense variant is expected to disrupt HCN1 protein function with a positive predictive value of 80%. In summary, the available evidence is currently insufficient to determine the role of this variant in disease. Therefore, it has been classified as a Variant of Uncertain Significance.